The following is an entry in ClinVar:

ClinVar aggregate classification (germline): Uncertain significance. Review status: criteria provided, multiple submitters, no conflicts (2 of 4 stars). 3 submissions from 3 submitters: Uncertain significance (3). Last evaluated 2026-03-30.

Conditions:
Hereditary cancer-predisposing syndrome. Also called: Neoplastic Syndromes, Hereditary; Tumor predisposition; Hereditary Cancer Syndrome; Hereditary neoplastic syndrome. Identifiers: Orphanet 140162, MedGen C0027672, MeSH D009386, MONDO:0015356.
Birt-Hogg-Dube syndrome. Also called: Birt Hogg Dubé syndrome. Identifiers: Orphanet 122, MedGen C0346010, MONDO:0800444.

Submissions (3):

Ambry Genetics
Classification: Uncertain significance for Hereditary cancer-predisposing syndrome. Last evaluated: 2026-03-30. Review status: criteria provided, single submitter. Criteria: Ambry Variant Classification Scheme 2023. Collection method: clinical testing. Allele origin: germline.
Comment: The p.Q493H variant (also known as c.1479G>C), located in coding exon 10 of the FLCN gene, results from a G to C substitution at nucleotide position 1479. The glutamine at codon 493 is replaced by histidine, an amino acid with highly similar properties. This amino acid position is conserved. In addition, the in silico prediction for this alteration is inconclusive. Based on the available evidence, the clinical significance of this variant remains unclear.

Labcorp Genetics (formerly Invitae), Labcorp
Classification: Uncertain significance for Birt-Hogg-Dube syndrome. Last evaluated: 2025-05-28. Review status: criteria provided, single submitter. Criteria: Invitae Variant Classification Sherloc (09022015). Collection method: clinical testing. Allele origin: germline.
Comment: This sequence change replaces glutamine, which is neutral and polar, with histidine, which is basic and polar, at codon 493 of the FLCN protein (p.Gln493His). This variant is not present in population databases (gnomAD no frequency). This variant has not been reported in the literature in individuals affected with FLCN-related conditions. ClinVar contains an entry for this variant (Variation ID: 1320874). Invitae Evidence Modeling of protein sequence and biophysical properties (such as structural, functional, and spatial information, amino acid conservation, physicochemical variation, residue mobility, and thermodynamic stability) indicates that this missense variant is not expected to disrupt FLCN protein function with a negative predictive value of 80%. In summary, the available evidence is currently insufficient to determine the role of this variant in disease. Therefore, it has been classified as a Variant of Uncertain Significance.

GeneDx
Classification: Uncertain significance. Last evaluated: 2019-04-16. Review status: criteria provided, single submitter. Criteria: GeneDx Variant Classification Process June 2021. Collection method: clinical testing. Allele origin: germline. Affected: yes.
Comment: Not observed in large population cohorts (Lek et al., 2016); Has not been previously published as pathogenic or benign to our knowledge

NM_144997.7(FLCN):c.1479G>C (p.Gln493His)

Gene: FLCN (folliculin; minus strand). Cytogenetic location: 17p11.2.
Variant type: single nucleotide variant.
Coding change: c.1479G>C on transcript NM_144997.7 (MANE Select); coding-DNA position 1479, G replaced by C.
Protein change: p.Gln493His; replaces glutamine 493 with histidine.
Molecular consequence: missense variant.
Genome position (GRCh38, 1-based): chr17:17,215,044, C>G on the plus strand (G>C on the coding strand, the complement: FLCN is on the minus strand). VCF-style: chr17-17215044-C-G. GRCh37 (hg19) VCF-style: chr17-17118358-C-G.
Other names: c.1533G>C, p.Gln511His (NM_001353229.2); c.1479G>C, p.Gln493His (NM_001353230.2, NM_001353231.2); short protein forms Q493H, Q511H.
Identifiers: ClinVar variation 1320874 (VCV001320874.6), dbSNP rs758516602, ClinGen allele CA398530901.